The following is an entry in ClinVar:

ClinVar aggregate classification (germline): Uncertain significance (1 of 4 stars; one submission).

Conditions:
Autosomal recessive limb-girdle muscular dystrophy type 2J (LGMDR10). Also called: MUSCULAR DYSTROPHY, LIMB-GIRDLE, AUTOSOMAL RECESSIVE 10; Limb-girdle muscular dystrophy, type 2J. Identifiers: Orphanet 140922, MedGen C1837342, MONDO:0012127, OMIM 608807.
Dilated cardiomyopathy 1G (CMD1G). Identifiers: Orphanet 154, MedGen C1858763, MONDO:0011400, OMIM 604145.

gnomAD v4.1: 1 of 1,608,668 alleles (0.000062%); highest among the groups gnomAD compares: Non-Finnish European, 0.000085%; no homozygotes.

Submission:

Labcorp Genetics (formerly Invitae), Labcorp
Classification: Uncertain significance for Dilated cardiomyopathy 1G; Autosomal recessive limb-girdle muscular dystrophy type 2J. Last evaluated: 2025-11-17. Review status: criteria provided, single submitter. Criteria: Invitae Variant Classification Sherloc (09022015). Collection method: clinical testing. Allele origin: germline.
Comment: This sequence change replaces tyrosine, which is neutral and polar, with phenylalanine, which is neutral and non-polar, at codon 33919 of the TTN protein (p.Tyr33919Phe). This variant is not present in population databases (gnomAD no frequency). This variant has not been reported in the literature in individuals affected with TTN-related conditions. Experimental studies and prediction algorithms are not available or were not evaluated, and the functional significance of this variant is currently unknown. This variant is located in the M band of TTN (PMID: 25589632). Non-truncating variants in this region may be relevant for neuromuscular disorders, but have not been definitively shown to cause cardiomyopathy (PMID: 23975875). In summary, the available evidence is currently insufficient to determine the role of this variant in disease. Therefore, it has been classified as a Variant of Uncertain Significance.

Literature cited by the submitters: PubMed 25589632; PubMed 23975875.

NM_001267550.2(TTN):c.101756A>T (p.Tyr33919Phe)

Genes: TTN (titin; minus strand), TTN-AS1 (TTN antisense RNA 1; plus strand). Cytogenetic location: 2q31.2.
Variant type: single nucleotide variant.
Coding change: c.101756A>T on transcript NM_001267550.2 (MANE Select); coding-DNA position 101756, A replaced by T.
Protein change: p.Tyr33919Phe; replaces tyrosine 33919 with phenylalanine.
Molecular consequence: missense variant.
Genome position (GRCh38, 1-based): chr2:178,534,859, T>A on the plus strand (A>T on the coding strand, the complement: TTN is on the minus strand). VCF-style: chr2-178534859-T-A. GRCh37 (hg19) VCF-style: chr2-179399586-T-A.
Other names: c.96833A>T, p.Tyr32278Phe (NM_001256850.1); c.74561A>T, p.Tyr24854Phe (NM_003319.4); c.94052A>T, p.Tyr31351Phe (NM_133378.4); c.74936A>T, p.Tyr24979Phe (NM_133432.3); c.75137A>T, p.Tyr25046Phe (NM_133437.4); short protein forms Y31351F, Y25046F, Y24854F, Y24979F, Y32278F, Y33919F.
Identifiers: ClinVar variation 4793211 (VCV004793211.1), dbSNP rs1575285823.